The following is an entry in ClinVar:

ClinVar aggregate classification (germline): Uncertain significance (1 of 4 stars; one submission).

Allele frequency attached by ClinVar (database versions not stated): ExAC 0.00001; gnomAD exomes 0.00001.
gnomAD v4.1: 11 of 1,614,178 alleles (0.00068%); highest among the groups gnomAD compares: Non-Finnish European, 0.00051%; no homozygotes.

Submission:

Labcorp Genetics (formerly Invitae), Labcorp
Classification: Uncertain significance. Last evaluated: 2024-08-19. Review status: criteria provided, single submitter. Criteria: Invitae Variant Classification Sherloc (09022015). Collection method: clinical testing. Allele origin: germline.
Comment: This sequence change replaces asparagine, which is neutral and polar, with serine, which is neutral and polar, at codon 4624 of the MACF1 protein (p.Asn4624Ser). This variant is present in population databases (rs762738213, gnomAD 0.0009%). This variant has not been reported in the literature in individuals affected with MACF1-related conditions. An algorithm developed to predict the effect of missense changes on protein structure and function (PolyPhen-2) suggests that this variant is likely to be disruptive. In summary, the available evidence is currently insufficient to determine the role of this variant in disease. Therefore, it has been classified as a Variant of Uncertain Significance.

NM_001394062.1(MACF1):c.20048A>G (p.Asn6683Ser)

Gene: MACF1 (microtubule actin crosslinking factor 1; plus strand). Cytogenetic location: 1p34.3.
Variant type: single nucleotide variant.
Coding change: c.20048A>G on transcript NM_001394062.1 (MANE Select); coding-DNA position 20048, A replaced by G.
Protein change: p.Asn6683Ser; replaces asparagine 6683 with serine.
Molecular consequence: missense variant.
Genome position (GRCh38, 1-based): chr1:39,448,112, A>G. VCF-style: chr1-39448112-A-G. GRCh37 (hg19) VCF-style: chr1-39913784-A-G.
Other names: c.8126A>G, p.Asn2709Ser (NM_001397473.1); c.13871A>G, p.Asn4624Ser (NM_012090.5); short protein forms N2709S, N4624S, N6683S.
Identifiers: ClinVar variation 2799444 (VCV002799444.3), dbSNP rs762738213, ClinGen allele CA784284.
Genomic context (GRCh38, chr1:39,448,112, plus strand): 5'-AACTGATTGACTGGCTAGAAGATGCAGAGAGTCACCTGGACTCAGAACTAGAGATATCCA[A>G]TGACCCAGACAAAATTAAACTTCAGCTTTCTAAGCATAAGGTAAAGCAGTTAATTGCTCT-3'
Protein context (NP_001380991.1, residues 6673-6693): SHLDSELEIS[Asn6683Ser]DPDKIKLQLS